The following is an entry in ClinVar:

NM_000093.5(COL5A1):c.2785A>T (p.Lys929Ter)

Gene: COL5A1 (collagen type V alpha 1 chain; plus strand). Cytogenetic location: 9q34.3.
Variant type: single nucleotide variant.
Coding change: c.2785A>T on transcript NM_000093.5 (MANE Select); coding-DNA position 2785, A replaced by T.
Protein change: p.Lys929Ter; replaces lysine 929 with a stop codon.
Molecular consequence: nonsense.
Genome position (GRCh38, 1-based): chr9:134,795,301, A>T. VCF-style: chr9-134795301-A-T. GRCh37 (hg19) VCF-style: chr9-137687147-A-T.
Other names: c.2785A>T, p.Lys929Ter (NM_001278074.1); short protein forms K929*.
Identifiers: ClinVar variation 3068643 (VCV003068643.1), dbSNP rs2490762730, ClinGen allele CA375456665.

ClinVar aggregate classification (germline): Pathogenic (1 of 4 stars; one submission).

Conditions:
Ehlers-Danlos syndrome, classic type (cEDS). Identifiers: Orphanet 287, MedGen C4225429, MONDO:0007522.

Submission:

Molecular Genetics, Royal Melbourne Hospital
Classification: Pathogenic for Ehlers-Danlos syndrome, classic type. Last evaluated: 2024-04-11. Review status: criteria provided, single submitter. Criteria: ACMG Guidelines, 2015. Collection method: clinical testing. Allele origin: germline. Affected: yes.
Comment: This sequence change in COL5A1 is a nonsense variant observed to cause a premature stop codon, p.(Lys929*), in biologically relevant exon 34/66 leading to nonsense-mediated decay in a gene in which loss-of-function is an established disease mechanism (PMID 20301422). This variant is absent from the population database gnomAD v2.1/3.1. This variant has been reported in at least one proband (Royal Melbourne Hospital) meeting the 2017 diagnostic criteria for classical Ehlers-Danlos syndrome (PMID: 28306229). To our knowledge, this variant has not been reported in the literature in any other individuals with classical Ehlers-Danlos syndrome. Based on the classification scheme RMH Modified ACMG Guidelines v1.5.1, this variant is classified as PATHOGENIC. Following criteria are met: PVS1, PM2_Supporting, PS4_Supporting.

Literature cited by the submitters: PubMed 20301422; PubMed 28306229.